The following is an entry in ClinVar:

ClinVar aggregate classification (germline): Pathogenic (1 of 4 stars; one submission).

Conditions:
Cortical dysplasia-focal epilepsy syndrome (PTHSL1). Also called: Pitt-Hopkins-like syndrome 1. Identifiers: Orphanet 163681, Orphanet 221150, MedGen C2750246, MONDO:0012400, OMIM 610042.

Submission:

Labcorp Genetics (formerly Invitae), Labcorp
Classification: Pathogenic for Cortical dysplasia-focal epilepsy syndrome. Last evaluated: 2019-06-19. Review status: criteria provided, single submitter. Criteria: Invitae Variant Classification Sherloc (09022015). Collection method: clinical testing. Allele origin: germline.
Comment: For these reasons, this variant has been classified as Pathogenic. Loss-of-function variants in CNTNAP2 are known to be pathogenic (PMID: 19896112, 21827697, 25045150, 26843181, 27439707). This variant has not been reported in the literature in individuals with CNTNAP2-related conditions. This variant is not present in population databases (ExAC no frequency). This sequence change creates a premature translational stop signal (p.Ile161Asnfs*17) in the CNTNAP2 gene. It is expected to result in an absent or disrupted protein product.

Literature cited by the submitters: PubMed 19896112; PubMed 21827697; PubMed 25045150; PubMed 26843181; PubMed 27439707.

NM_014141.6(CNTNAP2):c.481dup (p.Ile161fs)

Gene: CNTNAP2 (contactin associated protein 2; plus strand). Cytogenetic location: 7q35.
Variant type: Duplication.
Coding change: c.481dup on transcript NM_014141.6 (MANE Select); coding-DNA position 481, one base duplicated (A; older notation c.481dupA).
Protein change: p.Ile161fs; shifts the reading frame from isoleucine 161.
Molecular consequence: frameshift variant.
Genome position (GRCh38, 1-based): chr7:147,043,985, A duplicated. VCF-style (leftmost placement, unchanged base first): chr7-147043984-C-CA. GRCh37 (hg19) VCF-style: chr7-146741076-C-CA.
Other names: short protein forms I161fs.
Identifiers: ClinVar variation 947629 (VCV000947629.8), dbSNP rs1799307071, ClinGen allele CA1139660318.